The following is an entry in ClinVar:

NM_007194.4(CHEK2):c.925C>A (p.Leu309Met)

Gene: CHEK2 (checkpoint kinase 2; minus strand). Cytogenetic location: 22q12.1.
Variant type: single nucleotide variant.
Coding change: c.925C>A on transcript NM_007194.4 (MANE Select); coding-DNA position 925, C replaced by A.
Protein change: p.Leu309Met; replaces leucine 309 with methionine.
Molecular consequence: missense variant.
Genome position (GRCh38, 1-based): chr22:28,699,921, G>T on the plus strand (C>A on the coding strand, the complement: CHEK2 is on the minus strand). VCF-style: chr22-28699921-G-T. GRCh37 (hg19) VCF-style: chr22-29095909-G-T.
Other names: c.1054C>A, p.Leu352Met (NM_001005735.3); c.262C>A, p.Leu88Met (NM_001257387.3); c.724C>A, p.Leu242Met (NM_001349956.3); c.925C>A, p.Leu309Met (NM_145862.3); short protein forms L242M, L309M, L352M, L88M.
Identifiers: ClinVar variation 823134 (VCV000823134.4), dbSNP rs786202521, ClinGen allele CA411100085.

ClinVar aggregate classification (germline): Uncertain significance (1 of 4 stars; one submission).

Conditions:
Hereditary cancer-predisposing syndrome. Also called: Tumor predisposition; Hereditary Cancer Syndrome; Neoplastic Syndromes, Hereditary; Hereditary neoplastic syndrome. Identifiers: Orphanet 140162, MedGen C0027672, MeSH D009386, MONDO:0015356.

Submission:

Ambry Genetics
Classification: Uncertain significance for Hereditary cancer-predisposing syndrome. Last evaluated: 2019-05-28. Review status: criteria provided, single submitter. Criteria: Ambry Variant Classification Scheme 2023. Collection method: clinical testing. Allele origin: germline.
Comment: The p.L309M variant (also known as c.925C>A), located in coding exon 8 of the CHEK2 gene, results from a C to A substitution at nucleotide position 925. The leucine at codon 309 is replaced by methionine, an amino acid with highly similar properties. This amino acid position is highly conserved in available vertebrate species. In addition, this alteration is predicted to be deleterious by in silico analysis. Since supporting evidence is limited at this time, the clinical significance of this alteration remains unclear.